The following is an entry in ClinVar:

ClinVar aggregate classification (germline): Uncertain significance (1 of 4 stars; one submission).

Conditions:
Melanoma, cutaneous malignant, susceptibility to, 5. Also called: Cutaneous malignant melanoma 5. Identifiers: Orphanet 618, MedGen C2751295, MONDO:0013133, OMIM 613099.

Allele frequency attached by ClinVar (database versions not stated): ExAC 0.00001; gnomAD exomes 0.00001; TOPMed 0.00001; gnomAD 0.00002.
gnomAD v4.1: 8 of 1,613,944 alleles (0.0005%); highest among the groups gnomAD compares: Middle Eastern, 0.016%; no homozygotes.

Submission:

Labcorp Genetics (formerly Invitae), Labcorp
Classification: Uncertain significance for Melanoma, cutaneous malignant, susceptibility to, 5. Last evaluated: 2024-02-24. Review status: criteria provided, single submitter. Criteria: Invitae Variant Classification Sherloc (09022015). Collection method: clinical testing. Allele origin: germline.
Comment: This sequence change replaces alanine, which is neutral and non-polar, with valine, which is neutral and non-polar, at codon 299 of the MC1R protein (p.Ala299Val). This variant is present in population databases (rs752932359, gnomAD 0.007%). This variant has not been reported in the literature in individuals affected with MC1R-related conditions. ClinVar contains an entry for this variant (Variation ID: 1002654). Advanced modeling of protein sequence and biophysical properties (such as structural, functional, and spatial information, amino acid conservation, physicochemical variation, residue mobility, and thermodynamic stability) performed at Invitae indicates that this missense variant is not expected to disrupt MC1R protein function with a negative predictive value of 80%. In summary, the available evidence is currently insufficient to determine the role of this variant in disease. Therefore, it has been classified as a Variant of Uncertain Significance.

NM_002386.4(MC1R):c.896C>T (p.Ala299Val)

Gene: MC1R (melanocortin 1 receptor; plus strand). Cytogenetic location: 16q24.3.
Variant type: single nucleotide variant.
Coding change: c.896C>T on transcript NM_002386.4 (MANE Select); coding-DNA position 896, C replaced by T.
Protein change: p.Ala299Val; replaces alanine 299 with valine.
Molecular consequence: missense variant.
Genome position (GRCh38, 1-based): chr16:89,920,154, C>T. VCF-style: chr16-89920154-C-T. GRCh37 (hg19) VCF-style: chr16-89986562-C-T.
Other names: short protein forms A299V.
Identifiers: ClinVar variation 1002654 (VCV001002654.8), dbSNP rs752932359, ClinGen allele CA8255803.
Genomic context (GRCh38, chr16:89,920,154, plus strand): 5'-ACTTCAACCTCTTTCTCGCCCTCATCATCTGCAATGCCATCATCGACCCCCTCATCTACG[C>T]CTTCCACAGCCAGGAGCTCCGCAGGACGCTCAAGGAGGTGCTGACATGCTCCTGGTGAGC-3'
Protein context (NP_002377.4, residues 289-309): CNAIIDPLIY[Ala299Val]FHSQELRRTL